The following is an entry in ClinVar:

NM_175914.5(HNF4A):c.56C>G (p.Ser19Cys)

Gene: HNF4A (hepatocyte nuclear factor 4 alpha; plus strand). Cytogenetic location: 20q13.12.
Variant type: single nucleotide variant.
Coding change: c.56C>G on transcript NM_175914.5 (MANE Select); coding-DNA position 56, C replaced by G.
Protein change: p.Ser19Cys; replaces serine 19 with cysteine.
Molecular consequence: missense variant.
Genome position (GRCh38, 1-based): chr20:44,406,064, C>G. VCF-style: chr20-44406064-C-G. GRCh37 (hg19) VCF-style: chr20-43034704-C-G.
Other names: c.122C>G, p.Ser41Cys (NM_000457.6, NM_178849.3, NM_178850.3); c.56C>G, p.Ser19Cys (NM_001030003.3, NM_001030004.3); c.47C>G, p.Ser16Cys (NM_001287182.2, NM_001287183.2, NM_001287184.2); c.101C>G, p.Ser34Cys (NM_001258355.2); short protein forms S19C, S41C, S16C, S34C.
Identifiers: ClinVar variation 2975920 (VCV002975920.4), dbSNP rs2515643997, ClinGen allele CA409103665.

ClinVar aggregate classification (germline): Uncertain significance. Review status: criteria provided, multiple submitters, no conflicts (2 of 4 stars). 2 submissions from 2 submitters: Uncertain significance (2). Last evaluated 2024-05-04.

gnomAD v4.1: 2 of 1,612,292 alleles (0.00012%); highest among the groups gnomAD compares: African/African-American, 0.0027%; no homozygotes.

Submissions (2):

Athena Diagnostics
Classification: Uncertain significance. Last evaluated: 2024-05-04. Review status: criteria provided, single submitter. Criteria: Athena Diagnostics Criteria. Collection method: clinical testing. Allele origin: unknown.
Comment: Available data are insufficient to determine the clinical significance of the variant at this time. This variant has not been reported in large, multi-ethnic general populations. Polyphen and MutationTaster predict this amino acid change may be benign.

Labcorp Genetics (formerly Invitae), Labcorp
Classification: Uncertain significance. Last evaluated: 2023-10-03. Review status: criteria provided, single submitter. Criteria: Invitae Variant Classification Sherloc (09022015). Collection method: clinical testing. Allele origin: germline.
Comment: This sequence change replaces serine, which is neutral and polar, with cysteine, which is neutral and slightly polar, at codon 19 of the HNF4A protein (p.Ser19Cys). This variant is not present in population databases (gnomAD no frequency). This variant has not been reported in the literature in individuals affected with HNF4A-related conditions. Advanced modeling of protein sequence and biophysical properties (such as structural, functional, and spatial information, amino acid conservation, physicochemical variation, residue mobility, and thermodynamic stability) has been performed at Invitae for this missense variant, however the output from this modeling did not meet the statistical confidence thresholds required to predict the impact of this variant on HNF4A protein function. In summary, the available evidence is currently insufficient to determine the role of this variant in disease. Therefore, it has been classified as a Variant of Uncertain Significance.